The following is an entry in ClinVar:

NM_020975.6(RET):c.1375G>C (p.Glu459Gln)

Gene: RET (ret proto-oncogene; plus strand). Cytogenetic location: 10q11.21.
Variant type: single nucleotide variant.
Coding change: c.1375G>C on transcript NM_020975.6 (MANE Select); coding-DNA position 1375, G replaced by C.
Protein change: p.Glu459Gln; replaces glutamic acid 459 with glutamine.
Molecular consequence: missense variant.
Genome position (GRCh38, 1-based): chr10:43,111,318, G>C. VCF-style: chr10-43111318-G-C. GRCh37 (hg19) VCF-style: chr10-43606766-G-C.
Other names: c.1375G>C, p.Glu459Gln (NM_000323.2, NM_001406743.1, NM_001406744.1 and 6 more transcripts); c.613G>C, p.Glu205Gln (NM_001355216.2); c.1246G>C, p.Glu416Gln (NM_001406761.1, NM_001406762.1, NM_001406764.1 and 1 more transcripts); c.1087G>C, p.Glu363Gln (NM_001406766.1, NM_001406767.1, NM_001406770.1); c.979G>C, p.Glu327Gln (NM_001406769.1, NM_001406772.1); c.937G>C, p.Glu313Gln (NM_001406771.1, NM_001406773.1); c.850G>C, p.Glu284Gln (NM_001406774.1); c.649G>C, p.Glu217Gln (NM_001406775.1, NM_001406776.1, NM_001406777.1 and 1 more transcripts); and 1 more; short protein forms E129Q, E284Q, E327Q, E363Q, E416Q, E205Q, E217Q, E313Q.
Identifiers: ClinVar variation 1771147 (VCV001771147.6), dbSNP rs539995816, ClinGen allele CA033391.

ClinVar aggregate classification (germline): Uncertain significance. Review status: criteria provided, multiple submitters, no conflicts (2 of 4 stars). 2 submissions from 2 submitters: Uncertain significance (2). Last evaluated 2025-10-29.

Conditions:
Hereditary cancer-predisposing syndrome. Also called: Hereditary Cancer Syndrome; Hereditary neoplastic syndrome; Neoplastic Syndromes, Hereditary; Tumor predisposition. Identifiers: Orphanet 140162, MedGen C0027672, MeSH D009386, MONDO:0015356.
Multiple endocrine neoplasia, type 2 (MEN2). Identifiers: Orphanet 653, MedGen C4048306, MONDO:0019003. Disease mechanism: gain of function.

Submissions (2):

Labcorp Genetics (formerly Invitae), Labcorp
Classification: Uncertain significance for Multiple endocrine neoplasia, type 2. Last evaluated: 2025-10-29. Review status: criteria provided, single submitter. Criteria: Invitae Variant Classification Sherloc (09022015). Collection method: clinical testing. Allele origin: germline.
Comment: This sequence change replaces glutamic acid, which is acidic and polar, with glutamine, which is neutral and polar, at codon 459 of the RET protein (p.Glu459Gln). This variant is present in population databases (rs539995816, gnomAD 0.003%). This variant has not been reported in the literature in individuals affected with RET-related conditions. ClinVar contains an entry for this variant (Variation ID: 1771147). An algorithm developed to predict the effect of missense changes on protein structure and function (PolyPhen-2) suggests that this variant is likely to be tolerated. In summary, the available evidence is currently insufficient to determine the role of this variant in disease. Therefore, it has been classified as a Variant of Uncertain Significance.

Ambry Genetics
Classification: Uncertain significance for Hereditary cancer-predisposing syndrome. Last evaluated: 2024-07-16. Review status: criteria provided, single submitter. Criteria: Ambry Variant Classification Scheme 2023. Collection method: clinical testing. Allele origin: germline.
Comment: The p.E459Q variant (also known as c.1375G>C), located in coding exon 7 of the RET gene, results from a G to C substitution at nucleotide position 1375. The glutamic acid at codon 459 is replaced by glutamine, an amino acid with highly similar properties. This amino acid position is conserved. In addition, this alteration is predicted to be tolerated by in silico analysis. Since supporting evidence is limited at this time, the clinical significance of this alteration remains unclear.